The following is an entry in ClinVar:

ClinVar aggregate classification (germline): Uncertain significance (1 of 4 stars; one submission).

Submission:

GeneDx
Classification: Uncertain significance. Last evaluated: 2023-04-10. Review status: criteria provided, single submitter. Criteria: GeneDx Variant Classification Process June 2021. Collection method: clinical testing. Allele origin: germline. Affected: yes.
Comment: Not observed at significant frequency in large population cohorts (gnomAD); In silico analysis supports a deleterious effect on splicing; Has not been previously published as pathogenic or benign to our knowledge

NM_001007553.3(CSDE1):c.403-13_403-10del

Gene: CSDE1 (cold shock domain containing E1; minus strand). Cytogenetic location: 1p13.2.
Variant type: Deletion.
Coding change: c.403-13_403-10del on transcript NM_001007553.3 (MANE Select); 13 bases into the intron before coding-DNA position 403 through 10 bases into the intron before coding-DNA position 403, 4 bases deleted (TATT; older notation c.403-13_403-10delTATT).
Molecular consequence: intron variant.
Genome position (GRCh38, 1-based): chr1:114,736,865-114,736,868, AATA deleted on the plus strand (TATT on the coding strand, the reverse complement: CSDE1 is on the minus strand); deleting any 4 consecutive bases within chr1:114,736,865-114,736,871 gives the same sequence; the c. name uses the placement nearest the transcript's 3' end. VCF-style (leftmost placement, unchanged base first): chr1-114736864-TAATA-T. GRCh37 (hg19) VCF-style: chr1-115279485-TAATA-T.
Other names: c.310-13_310-10del (NM_001242893.2, NM_007158.6); c.403-13_403-10del (NM_001242892.2); c.448-13_448-10del (NM_001130523.3); c.541-13_541-10del (NM_001242891.2).
Identifiers: ClinVar variation 2662040 (VCV002662040.1), dbSNP rs1660431711, ClinGen allele CA1006005831.